The following is an entry in ClinVar:

NM_000465.4(BARD1):c.1678-20A>G

Gene: BARD1 (BRCA1 associated RING domain 1; minus strand). Cytogenetic location: 2q35.
Variant type: single nucleotide variant.
Coding change: c.1678-20A>G on transcript NM_000465.4 (MANE Select); 20 bases into the intron before coding-DNA position 1678, A replaced by G.
Molecular consequence: intron variant.
Genome position (GRCh38, 1-based): chr2:214,745,874, T>C on the plus strand (A>G on the coding strand, the complement: BARD1 is on the minus strand). VCF-style: chr2-214745874-T-C. GRCh37 (hg19) VCF-style: chr2-215610598-T-C.
Other names: c.1678-20A>G (LRG_297t1); c.268-20A>G (NM_001282548.2); c.1621-20A>G (NM_001282543.2); c.325-20A>G (NM_001282545.2); c.365-15366A>G (NM_001282549.2).
Identifiers: ClinVar variation 377555 (VCV000377555.14), dbSNP rs189401077, ClinGen allele CA2090189.

ClinVar aggregate classification (germline): Benign/Likely benign. Review status: criteria provided, multiple submitters, no conflicts (2 of 4 stars). 5 submissions from 5 submitters: Benign (3); Likely benign (2). Last evaluated 2026-01-13.

Conditions:
Hereditary cancer-predisposing syndrome. Also called: Tumor predisposition; Neoplastic Syndromes, Hereditary; Hereditary neoplastic syndrome; Hereditary Cancer Syndrome. Identifiers: Orphanet 140162, MedGen C0027672, MeSH D009386, MONDO:0015356.
Familial cancer of breast. Also called: BREAST CANCER, FAMILIAL; Hereditary breast cancer; hereditary breast carcinoma. Identifiers: Orphanet 227535, MedGen C0346153, MONDO:0016419, OMIM 114480. Disease mechanism: loss of function.

Allele frequency attached by ClinVar (database versions not stated): TOPMed 0.00014; gnomAD exomes 0.00015 and 0.00047; ESP Exome Variant Server 0.00023; ExAC 0.00035; gnomAD 0.00050 and 0.00051; 1000 Genomes Project 30x 0.00062; 1000 Genomes Project 0.00080.
gnomAD v4.1: 292 of 1,613,622 alleles (0.018%); highest among the groups gnomAD compares: African/African-American, 0.021%; no homozygotes.

Submissions (5):

Labcorp Genetics (formerly Invitae), Labcorp
Classification: Benign for Familial cancer of breast. Last evaluated: 2026-01-13. Review status: criteria provided, single submitter. Criteria: Invitae Variant Classification Sherloc (09022015). Collection method: clinical testing. Allele origin: germline.

Blueprint Genetics
Classification: Likely benign. Last evaluated: 2024-07-26. Review status: criteria provided, single submitter. Criteria: ACMG Guidelines, 2015. Collection method: clinical testing. Allele origin: germline.

Myriad Genetics, Inc.
Classification: Benign for Familial cancer of breast. Last evaluated: 2024-07-26. Review status: criteria provided, single submitter. Criteria: Myriad Autosomal Dominant, Autosomal Recessive and X-Linked Classification Criteria (2023). Collection method: clinical testing. Allele origin: unknown.
Comment: This variant is considered benign. This variant is intronic and is not expected to impact mRNA splicing. This variant is strongly associated with less severe personal and family histories of cancer, typical for individuals without pathogenic variants in this gene [PMID: 25085752].

GeneDx
Classification: Benign. Last evaluated: 2015-07-28. Review status: criteria provided, single submitter. Criteria: GeneDx Variant Classification (06012015). Collection method: clinical testing. Allele origin: germline. Affected: yes.
Comment: This variant is considered likely benign or benign based on one or more of the following criteria: it is a conservative change, it occurs at a poorly conserved position in the protein, it is predicted to be benign by multiple in silico algorithms, and/or has population frequency not consistent with disease.

Color Diagnostics, LLC DBA Color Health
Classification: Likely benign for Hereditary cancer-predisposing syndrome. Last evaluated: 2015-06-01. Review status: criteria provided, single submitter. Criteria: ACMG Guidelines, 2015. Collection method: clinical testing. Allele origin: germline.

Literature cited by the submitters: PubMed 25085752 (cited by Myriad Genetics, Inc.).